The following is an entry in ClinVar:

NM_006231.4(POLE):c.4300C>G (p.Leu1434Val)

Gene: POLE (DNA polymerase epsilon, catalytic subunit; minus strand). Cytogenetic location: 12q24.33.
Variant type: single nucleotide variant.
Coding change: c.4300C>G on transcript NM_006231.4 (MANE Select); coding-DNA position 4300, C replaced by G.
Protein change: p.Leu1434Val; replaces leucine 1434 with valine.
Molecular consequence: missense variant.
Genome position (GRCh38, 1-based): chr12:132,643,551, G>C on the plus strand (C>G on the coding strand, the complement: POLE is on the minus strand). VCF-style: chr12-132643551-G-C. GRCh37 (hg19) VCF-style: chr12-133220137-G-C.
Other names: short protein forms L1434V.
Identifiers: ClinVar variation 1499507 (VCV001499507.8), dbSNP rs2138553565, ClinGen allele CA387381584.

ClinVar aggregate classification (germline): Uncertain significance. Review status: criteria provided, multiple submitters, no conflicts (2 of 4 stars). 2 submissions from 2 submitters: Uncertain significance (2). Last evaluated 2024-12-10.

Conditions:
Hereditary cancer-predisposing syndrome. Also called: Tumor predisposition; Hereditary neoplastic syndrome; Neoplastic Syndromes, Hereditary; Hereditary Cancer Syndrome. Identifiers: Orphanet 140162, MedGen C0027672, MeSH D009386, MONDO:0015356.

gnomAD v4.1: 2 of 1,614,122 alleles (0.00012%); highest among the groups gnomAD compares: Non-Finnish European, 0.00017%; no homozygotes.

Submissions (2):

Labcorp Genetics (formerly Invitae), Labcorp
Classification: Uncertain significance. Last evaluated: 2024-12-10. Review status: criteria provided, single submitter. Criteria: Invitae Variant Classification Sherloc (09022015). Collection method: clinical testing. Allele origin: germline.
Comment: This sequence change replaces leucine, which is neutral and non-polar, with valine, which is neutral and non-polar, at codon 1434 of the POLE protein (p.Leu1434Val). This variant is not present in population databases (gnomAD no frequency). This variant has not been reported in the literature in individuals affected with POLE-related conditions. ClinVar contains an entry for this variant (Variation ID: 1499507). Invitae Evidence Modeling of protein sequence and biophysical properties (such as structural, functional, and spatial information, amino acid conservation, physicochemical variation, residue mobility, and thermodynamic stability) indicates that this missense variant is not expected to disrupt POLE protein function with a negative predictive value of 80%. In summary, the available evidence is currently insufficient to determine the role of this variant in disease. Therefore, it has been classified as a Variant of Uncertain Significance.

Ambry Genetics
Classification: Uncertain significance for Hereditary cancer-predisposing syndrome. Last evaluated: 2022-08-12. Review status: criteria provided, single submitter. Criteria: Ambry Variant Classification Scheme 2023. Collection method: clinical testing. Allele origin: germline.
Comment: The p.L1434V variant (also known as c.4300C>G), located in coding exon 34 of the POLE gene, results from a C to G substitution at nucleotide position 4300. The leucine at codon 1434 is replaced by valine, an amino acid with highly similar properties. This amino acid position is conserved. In addition, this alteration is predicted to be tolerated by in silico analysis. Since supporting evidence is limited at this time, the clinical significance of this alteration remains unclear.